The following is an entry in ClinVar:

NM_000059.4(BRCA2):c.1860T>G (p.Phe620Leu)

Gene: BRCA2 (BRCA2 DNA repair associated; plus strand). Cytogenetic location: 13q13.1.
Variant type: single nucleotide variant.
Coding change: c.1860T>G on transcript NM_000059.4 (MANE Select); coding-DNA position 1860, T replaced by G.
Protein change: p.Phe620Leu; replaces phenylalanine 620 with leucine.
Molecular consequence: missense variant.
Genome position (GRCh38, 1-based): chr13:32,333,338, T>G. VCF-style: chr13-32333338-T-G. GRCh37 (hg19) VCF-style: chr13-32907475-T-G.
Other names: short protein forms F620L.
Identifiers: ClinVar variation 418742 (VCV000418742.30), dbSNP rs1064793402, ClinGen allele CA16619665.

ClinVar aggregate classification (germline): Conflicting classifications of pathogenicity. Review status: criteria provided, conflicting classifications (1 of 4 stars). 9 submissions from 9 submitters: Uncertain significance (5); Likely benign (1). 3 of the submissions do not count toward it. Last evaluated 2024-05-15.

Conditions:
Hereditary cancer-predisposing syndrome. Also called: Hereditary neoplastic syndrome; Tumor predisposition; Neoplastic Syndromes, Hereditary; Hereditary Cancer Syndrome. Identifiers: Orphanet 140162, MedGen C0027672, MeSH D009386, MONDO:0015356.
Hereditary breast ovarian cancer syndrome. Also called: Hereditary breast and ovarian cancer; Hereditary breast and/or ovarian cancer syndrome; Hereditary breast and ovarian cancer syndrome; Hereditary breast and ovarian cancer syndrome (HBOC); Breast and ovarian cancer; BRCA1- and BRCA2-Associated Hereditary Breast and Ovarian Cancer. Identifiers: Orphanet 145, MedGen C0677776, MeSH D061325, MONDO:0003582. Disease mechanism: loss of function.

Allele frequency attached by ClinVar (database versions not stated): gnomAD exomes below 0.00001 and 0.00001.
gnomAD v4.1: 3 of 1,607,550 alleles (0.00019%); highest among the groups gnomAD compares: Admixed American, 0.0017%; no homozygotes.

Submissions (9):

Labcorp Genetics (formerly Invitae), Labcorp
Classification: Uncertain significance for Hereditary breast ovarian cancer syndrome. Last evaluated: 2024-05-15. Review status: criteria provided, single submitter. Criteria: Invitae Variant Classification Sherloc (09022015). Collection method: clinical testing. Allele origin: germline.
Comment: This sequence change replaces phenylalanine, which is neutral and non-polar, with leucine, which is neutral and non-polar, at codon 620 of the BRCA2 protein (p.Phe620Leu). This variant is present in population databases (no rsID available, gnomAD 0.003%). This missense change has been observed in individual(s) with breast cancer (PMID: 21520333). ClinVar contains an entry for this variant (Variation ID: 418742). Advanced modeling of protein sequence and biophysical properties (such as structural, functional, and spatial information, amino acid conservation, physicochemical variation, residue mobility, and thermodynamic stability) performed at Invitae indicates that this missense variant is not expected to disrupt BRCA2 protein function with a negative predictive value of 95%. In summary, the available evidence is currently insufficient to determine the role of this variant in disease. Therefore, it has been classified as a Variant of Uncertain Significance.

Ambry Genetics
Classification: Uncertain significance for Hereditary cancer-predisposing syndrome. Last evaluated: 2024-05-11. Review status: criteria provided, single submitter. Criteria: Ambry Variant Classification Scheme 2023. Collection method: clinical testing. Allele origin: germline.
Comment: The p.F620L variant (also known as c.1860T>G), located in coding exon 9 of the BRCA2 gene, results from a T to G substitution at nucleotide position 1860. The phenylalanine at codon 620 is replaced by leucine, an amino acid with highly similar properties. This amino acid position is not well conserved in available vertebrate species. In addition, this alteration is predicted to be tolerated by in silico analysis. Since supporting evidence is limited at this time, the clinical significance of this alteration remains unclear.

University of Washington Department of Laboratory Medicine, University of Washington
Classification: Likely benign for Hereditary cancer-predisposing syndrome. Last evaluated: 2023-03-23. Review status: criteria provided, single submitter. Criteria: Dines et al. (Genet Med. 2020). Collection method: curation. Allele origin: germline.
Comment: Missense variant in a coldspot region where missense variants are very unlikely to be pathogenic (PMID:31911673).

BRCA2 exon 10 coldspot. Reclassification based on statistical prior probability.

Color Diagnostics, LLC DBA Color Health
Classification: Uncertain significance for Hereditary cancer-predisposing syndrome. Last evaluated: 2022-04-19. Review status: criteria provided, single submitter. Criteria: ACMG Guidelines, 2015. Collection method: clinical testing. Allele origin: germline.
Comment: This missense variant replaces phenylalanine with leucine at codon 620 of the BRCA2 protein. Computational prediction suggests that this variant may not impact protein structure and function (internally defined REVEL score threshold <= 0.5, PMID: 27666373). To our knowledge, functional studies have not been reported for this variant. This variant has not been reported in individuals affected with hereditary cancer in the literature. This variant has been identified in 1/240264 chromosomes in the general population by the Genome Aggregation Database (gnomAD). The available evidence is insufficient to determine the role of this variant in disease conclusively. Therefore, this variant is classified as a Variant of Uncertain Significance.

Quest Diagnostics Nichols Institute San Juan Capistrano
Classification: Uncertain significance. Last evaluated: 2018-06-08. Review status: criteria provided, single submitter. Criteria: Quest Diagnostics criteria. Collection method: clinical testing. Allele origin: germline.

GeneDx
Classification: Uncertain significance. Last evaluated: 2015-03-25. Review status: criteria provided, single submitter. Criteria: GeneDx Variant Classification (06012015). Collection method: clinical testing. Allele origin: germline. Affected: yes.
Comment: This variant is denoted BRCA2 c.1860T>G at the cDNA level, p.Phe620Leu (F620L) at the protein level, and results in the change of a Phenylalanine to a Leucine (TTT>TTG). Using alternate nomenclature, this variant would be defined as BRCA2 2088T>G. This variant has not, to our knowledge, been published in the literature as pathogenic or benign. BRCA2 Phe620Leu was not observed in approximately 6,500 individuals of European and African American ancestry in the NHLBI Exome Sequencing Project, indicating it is not a common benign variant in these populations. Since Phenylalanine and Leucine share similar properties, this is considered a conservative amino acid substitution. BRCA2 Phe620Leu occurs at a position that is not conserved across species and is not in a functional domain (UniProt). In silico analyses predict that this variant is unlikely to alter protein structure or function. Based on currently available information, it is unclear whether BRCA2 Phe620Leu is pathogenic or benign. We consider it to be a variant of uncertain significance.

Clinical Genetics Laboratory, Department of Pathology, Netherlands Cancer Institute
Classification: Likely benign. Review status: no assertion criteria provided. Collection method: clinical testing. Allele origin: germline. Affected: yes. Study: VKGL Data-share Consensus. Not counted in ClinVar's aggregate classification.

Diagnostic Laboratory, Department of Genetics, University Medical Center Groningen
Classification: Likely benign. Review status: no assertion criteria provided. Collection method: clinical testing. Allele origin: germline. Affected: yes. Study: VKGL Data-share Consensus. Not counted in ClinVar's aggregate classification.

Joint Genome Diagnostic Labs from Nijmegen and Maastricht, Radboudumc and MUMC+
Classification: Likely benign. Review status: no assertion criteria provided. Collection method: clinical testing. Allele origin: germline. Affected: yes. Study: VKGL Data-share Consensus. Not counted in ClinVar's aggregate classification.

Literature cited by the submitters: PubMed 21520333 (cited by Labcorp Genetics (formerly Invitae), Labcorp).